The following is an entry in ClinVar:

NM_000290.4(PGAM2):c.532G>A (p.Gly178Ser)

Genes: DBNL (drebrin like; plus strand), PGAM2 (phosphoglycerate mutase 2; minus strand). Cytogenetic location: 7p13.
Variant type: single nucleotide variant.
Coding change: c.532G>A on transcript NM_000290.4 (MANE Select); coding-DNA position 532, G replaced by A.
Protein change: p.Gly178Ser; replaces glycine 178 with serine.
Molecular consequence: missense variant. On other transcripts: 3 prime UTR variant (6).
Genome position (GRCh38, 1-based): chr7:44,064,895, C>T on the plus strand (G>A on the coding strand, the complement: PGAM2 is on the minus strand). VCF-style: chr7-44064895-C-T. GRCh37 (hg19) VCF-style: chr7-44104494-C-T.
Other names: c.*3979C>T (NM_001014436.3, NM_001122956.2, NM_001284313.2 and 3 more transcripts); short protein forms G178S.
Identifiers: ClinVar variation 1380227 (VCV001380227.6), dbSNP rs772187619, ClinGen allele CA4236541.
Genomic context (GRCh38, chr7:44,064,895, plus strand): 5'-CCAGGTGCTTGACAATGCCCCGCAGGCTGTTCCCGTGGGCTGCAATGAGCACTCGCTTGC[C>T]GGCCTTGATCTGGGGAACAATCTCCTCGTTCCAGAAGGGCAGGGCCCGGGCAATGGTGTC-3'
Protein context (NP_000281.2, residues 168-188): NEEIVPQIKA[Gly178Ser]KRVLIAAHGN

ClinVar aggregate classification (germline): Uncertain significance. Review status: criteria provided, multiple submitters, no conflicts (2 of 4 stars). 3 submissions from 3 submitters: Uncertain significance (3). Last evaluated 2025-07-15.

Conditions:
Inborn genetic diseases. Identifiers: MedGen C0950123, MeSH D030342.
Glycogen storage disease type X (GSD10). Also called: GSD X; MYOPATHY DUE TO PHOSPHOGLYCERATE MUTASE DEFICIENCY; PGAMM DEFICIENCY; PHOSPHOGLYCERATE MUTASE, MUSCLE, DEFICIENCY OF; Dimauro disease; Glycogen storage disease due to phosphoglycerate mutase deficiency. Identifiers: Orphanet 97234, MedGen C0268149, MONDO:0009865, OMIM 261670.

Allele frequency attached by ClinVar (database versions not stated): gnomAD 0.00005 and 0.00006; gnomAD exomes 0.00005 and 0.00009; TOPMed 0.00009; ExAC 0.00011.
gnomAD v4.1: 77 of 1,611,444 alleles (0.0048%); highest among the groups gnomAD compares: Admixed American, 0.038%; 1 homozygote.

Submissions (3):

Ambry Genetics
Classification: Uncertain significance for Inborn genetic diseases. Last evaluated: 2025-07-15. Review status: criteria provided, single submitter. Criteria: Ambry Variant Classification Scheme 2023. Collection method: clinical testing. Allele origin: germline.

Labcorp Genetics (formerly Invitae), Labcorp
Classification: Uncertain significance for Glycogen storage disease type X. Last evaluated: 2022-05-27. Review status: criteria provided, single submitter. Criteria: Invitae Variant Classification Sherloc (09022015). Collection method: clinical testing. Allele origin: germline.
Comment: This sequence change replaces glycine, which is neutral and non-polar, with serine, which is neutral and polar, at codon 178 of the PGAM2 protein (p.Gly178Ser). This variant is present in population databases (rs772187619, gnomAD 0.05%). This variant has not been reported in the literature in individuals affected with PGAM2-related conditions. Algorithms developed to predict the effect of missense changes on protein structure and function (SIFT, PolyPhen-2, Align-GVGD) all suggest that this variant is likely to be disruptive. In summary, the available evidence is currently insufficient to determine the role of this variant in disease. Therefore, it has been classified as a Variant of Uncertain Significance.

Blueprint Genetics
Classification: Uncertain significance. Last evaluated: 2021-11-12. Review status: criteria provided, single submitter. Criteria: ACMG Guidelines, 2015. Collection method: clinical testing. Allele origin: germline.